The following is an entry in ClinVar:

NM_001349999.2(RBFOX2):c.1225G>T (p.Gly409Cys)

Gene: RBFOX2 (RNA binding fox-1 homolog 2; minus strand). Cytogenetic location: 22q12.3.
Variant type: single nucleotide variant.
Coding change: c.1225G>T on transcript NM_001349999.2 (MANE Select); coding-DNA position 1225, G replaced by T.
Protein change: p.Gly409Cys; replaces glycine 409 with cysteine.
Molecular consequence: missense variant. On other transcripts: synonymous variant (12).
Genome position (GRCh38, 1-based): chr22:35,746,474, C>A on the plus strand (G>T on the coding strand, the complement: RBFOX2 is on the minus strand). VCF-style: chr22-35746474-C-A. GRCh37 (hg19) VCF-style: chr22-36142521-C-A.
Other names: c.1024G>T, p.Gly342Cys (NM_001031695.4); c.1012G>T, p.Gly338Cys (NM_001082576.3); c.984G>T, p.Thr328= (NM_001082577.3); c.1237G>T, p.Gly413Cys (NM_001082578.4); c.1234G>T, p.Gly412Cys (NM_001082579.3); c.1110G>T, p.Thr370= (NM_001349982.2); c.1044G>T, p.Thr348= (NM_001349983.2); c.1090G>T, p.Gly364Cys (NM_001349989.2); and 14 more; short protein forms G338C, G364C, G413C, G342C, G343C, G412C, G377C, G407C.
Identifiers: ClinVar variation 2954691 (VCV002954691.3), dbSNP rs370030634, ClinGen allele CA411355498.

ClinVar aggregate classification (germline): Uncertain significance (1 of 4 stars; one submission).

gnomAD v4.1: 22 of 1,596,382 alleles (0.0014%); highest among the groups gnomAD compares: Non-Finnish European, 0.0018%; no homozygotes.

Submission:

Labcorp Genetics (formerly Invitae), Labcorp
Classification: Uncertain significance. Last evaluated: 2024-01-04. Review status: criteria provided, single submitter. Criteria: Invitae Variant Classification Sherloc (09022015). Collection method: clinical testing. Allele origin: germline.
Comment: This sequence change replaces glycine, which is neutral and non-polar, with cysteine, which is neutral and slightly polar, at codon 413 of the RBFOX2 protein (p.Gly413Cys). This variant is not present in population databases (gnomAD no frequency). This variant has not been reported in the literature in individuals affected with RBFOX2-related conditions. An algorithm developed to predict the effect of missense changes on protein structure and function (PolyPhen-2) suggests that this variant is likely to be disruptive. In summary, the available evidence is currently insufficient to determine the role of this variant in disease. Therefore, it has been classified as a Variant of Uncertain Significance.